The following is an entry in ClinVar:

NM_001009944.3(PKD1):c.6131A>G (p.Asn2044Ser)

Gene: PKD1 (polycystin 1, transient receptor potential channel interacting; minus strand). Cytogenetic location: 16p13.3.
Variant type: single nucleotide variant.
Coding change: c.6131A>G on transcript NM_001009944.3 (MANE Select); coding-DNA position 6131, A replaced by G.
Protein change: p.Asn2044Ser; replaces asparagine 2044 with serine.
Molecular consequence: missense variant.
Genome position (GRCh38, 1-based): chr16:2,109,036, T>C on the plus strand (A>G on the coding strand, the complement: PKD1 is on the minus strand). VCF-style: chr16-2109036-T-C. GRCh37 (hg19) VCF-style: chr16-2159037-T-C.
Other names: c.6131A>G, p.Asn2044Ser (NM_000296.4); short protein forms N2044S.
Identifiers: ClinVar variation 3254604 (VCV003254604.1), dbSNP rs2544805619.

ClinVar aggregate classification (germline): Uncertain significance (1 of 4 stars; one submission).

Conditions:
Polycystic kidney disease, adult type (PKD1). Also called: Polycystic Kidney Disease 1, Autosomal Dominant; Polycystic kidney disease 1; Polycystic kidney disease 1, severe; POLYCYSTIC KIDNEY DISEASE 1 WITH OR WITHOUT POLYCYSTIC LIVER DISEASE; POLYCYSTIC KIDNEY DISEASE, ADULT, TYPE I; Polycystic Kidney, Autosomal Dominant. Identifiers: MedGen C3149841, MONDO:0008263, OMIM 173900.

Submission:

Victorian Clinical Genetics Services, Murdoch Childrens Research Institute
Classification: Uncertain significance for Polycystic kidney disease, adult type. Last evaluated: 2023-07-17. Review status: criteria provided, single submitter. Criteria: ACMG Guidelines, 2015. Collection method: clinical testing. Allele origin: germline. Inheritance: Autosomal dominant inheritance. Affected: yes.
Comment: Based on the classification scheme VCGS_Germline_v1.3.4, this variant is classified as VUS-3A. Following criteria are met: 0102 - Loss of function is a known mechanism of disease in this gene and is associated with polycystic kidney disease 1 (MIM#173900). (I) 0107 - This gene is associated with autosomal dominant disease. Polycystic kidney disease 1 (MIM#173900) is predominantly caused by monoallelic variants, with rare reports of biallelic variants causing disease (OMIM). (I) 0200 - Variant is predicted to result in a missense amino acid change from asparagine to serine. (I) 0251 - This variant is heterozygous. (I) 0301 - Variant is absent from gnomAD (both v2 and v3). (SP) 0502 - Missense variant with conflicting in silico predictions and uninformative conservation. (I) 0600 - Variant is located in the annotated PKD domain (DECIPHER). (I) 0703 - Other missense variants comparable to the one identified in this case have moderate previous evidence for pathogenicity. These changes (p.(Asn2044Asp), p.(Asn2044Lys)) have been reported in two individuals with renal disease or polycystic kidney disease (PMID: 24694054, PMID: 35783601). One of these variants has been reported as a VUS, but segregation evidence is noted (ClinVar). (SP) 0807 - This variant has no previous evidence of pathogenicity. (I) 0906 - Segregation evidence for this variant is inconclusive. (I) 1007 - No published functional evidence has been identified for this variant. (I) 1208 - Inheritance information for this variant is not currently available in this individual. (I) Legend: (SP) - Supporting pathogenic, (I) - Information, (SB) - Supporting benign

Literature cited by the submitters: PubMed 24694054; PubMed 35783601.